The following is an entry in ClinVar:

ClinVar aggregate classification (germline): Uncertain significance (1 of 4 stars; one submission).

Submission:

Labcorp Genetics (formerly Invitae), Labcorp
Classification: Uncertain significance. Last evaluated: 2023-04-21. Review status: criteria provided, single submitter. Criteria: Invitae Variant Classification Sherloc (09022015). Collection method: clinical testing. Allele origin: germline.
Comment: This variant has not been reported in the literature in individuals affected with POLE-related conditions. Variants that disrupt the consensus splice site are a relatively common cause of aberrant splicing (PMID: 17576681, 9536098). Algorithms developed to predict the effect of sequence changes on RNA splicing suggest that this variant is not likely to affect RNA splicing. In summary, the available evidence is currently insufficient to determine the role of this variant in disease. Therefore, it has been classified as a Variant of Uncertain Significance. This variant is not present in population databases (gnomAD no frequency). This sequence change falls in intron 20 of the POLE gene. It does not directly change the encoded amino acid sequence of the POLE protein. It affects a nucleotide within the consensus splice site.

Literature cited by the submitters: PubMed 17576681; PubMed 9536098.

NM_006231.4(POLE):c.2319+6C>T

Gene: POLE (DNA polymerase epsilon, catalytic subunit; minus strand). Cytogenetic location: 12q24.33.
Variant type: single nucleotide variant.
Coding change: c.2319+6C>T on transcript NM_006231.4 (MANE Select); 6 bases into the intron after coding-DNA position 2319, C replaced by T.
Molecular consequence: intron variant.
Genome position (GRCh38, 1-based): chr12:132,667,497, G>A on the plus strand (C>T on the coding strand, the complement: POLE is on the minus strand). VCF-style: chr12-132667497-G-A. GRCh37 (hg19) VCF-style: chr12-133244083-G-A.
Identifiers: ClinVar variation 2858081 (VCV002858081.3), dbSNP rs2135969086, ClinGen allele CA2739277384.